The following is an entry in ClinVar:

ClinVar aggregate classification (germline): Likely pathogenic (3 of 4 stars; one submission).

Conditions:
Phenylketonuria (PKU). Also called: FOLLING DISEASE; Phenylketonuria (PKU); OLIGOPHRENIA PHENYLPYRUVICA; Phenylketonurias. Identifiers: Orphanet 716, MedGen C0031485, MONDO:0009861, OMIM 261600. Disease mechanism: loss of function.

Submission:

ClinGen PAH Variant Curation Expert Panel
Classification: Likely pathogenic for Phenylketonuria. Last evaluated: 2024-09-06. Review status: reviewed by expert panel. Criteria: ClinGen PAH ACMG Specifications v1. Collection method: curation. Allele origin: germline. Inheritance: Autosomal recessive inheritance.
Comment: A deleterious effect is predicted in SIFT, Polyphen-2, MutationTaster, and REVEL=0.99. A different pathogenic missense change (p.Phe121Leu) has been seen before. In summary, this variant meets criteria to be classified as Likely pathogenic for PAH. PAH-specific ACMG/AMP criteria applied: PP4_Moderate, PM2_supporting, PP3_strong, PM5.

NM_000277.3(PAH):c.361T>G (p.Phe121Val)

Gene: PAH (phenylalanine hydroxylase; minus strand). Cytogenetic location: 12q23.2.
Variant type: single nucleotide variant.
Coding change: c.361T>G on transcript NM_000277.3 (MANE Select); coding-DNA position 361, T replaced by G.
Protein change: p.Phe121Val; replaces phenylalanine 121 with valine.
Molecular consequence: missense variant.
Genome position (GRCh38, 1-based): chr12:102,877,542, A>C on the plus strand (T>G on the coding strand, the complement: PAH is on the minus strand). VCF-style: chr12-102877542-A-C. GRCh37 (hg19) VCF-style: chr12-103271320-A-C.
Other names: c.361T>G, p.Phe121Val (NM_001354304.2); short protein forms F121V.
Identifiers: ClinVar variation 872832 (VCV000872832.2), dbSNP rs1876627337, ClinGen allele CA16020778.